The following is an entry in ClinVar:

ClinVar aggregate classification (germline): Uncertain significance (1 of 4 stars; one submission).

Submission:

GeneDx
Classification: Uncertain significance. Last evaluated: 2026-03-27. Review status: criteria provided, single submitter. Criteria: GeneDx Variant Classification Process June 2021. Collection method: clinical testing. Allele origin: germline.
Comment: Not observed at significant frequency in large population cohorts (gnomAD); Nonsense variant predicted to result in protein truncation as the last 234 amino acid(s) are lost; Has not been previously published as pathogenic or benign to our knowledge

NM_080552.3(SLC32A1):c.875G>A (p.Trp292Ter)

Gene: SLC32A1 (solute carrier family 32 member 1; plus strand). Cytogenetic location: 20q11.23.
Variant type: single nucleotide variant.
Coding change: c.875G>A on transcript NM_080552.3 (MANE Select); coding-DNA position 875, G replaced by A.
Protein change: p.Trp292Ter; replaces tryptophan 292 with a stop codon.
Molecular consequence: nonsense.
Genome position (GRCh38, 1-based): chr20:38,727,936, G>A. VCF-style: chr20-38727936-G-A. GRCh37 (hg19) VCF-style: chr20-37356579-G-A.
Other names: short protein forms W292*.
Identifiers: ClinVar variation 5017043 (VCV005017043.1).